The following is an entry in ClinVar:

ClinVar aggregate classification (germline): Uncertain significance. Review status: criteria provided, multiple submitters, no conflicts (2 of 4 stars). 2 submissions from 2 submitters: Uncertain significance (2). Last evaluated 2024-11-01.

Conditions:
Epilepsy, early-onset, vitamin B6-dependent. Also called: PLPBP Deficiency; EPILEPSY, EARLY-ONSET, 1, VITAMIN B6-DEPENDENT. Identifiers: MedGen C4310632, MONDO:0015005, OMIM 617290.

gnomAD v4.1: 2 of 1,587,596 alleles (0.00013%); highest among the groups gnomAD compares: Non-Finnish European, 0.00017%; no homozygotes.

Submissions (2):

Neurogenetics Team, Indira Gandhi Institute of Child Health
Classification: Uncertain significance for Epilepsy, early-onset, vitamin B6-dependent. Last evaluated: 2024-11-01. Review status: criteria provided, single submitter. Criteria: ACMG Guidelines, 2015. Collection method: clinical testing. Allele origin: biparental. Inheritance: Autosomal recessive inheritance. Affected: yes. Observed: 1 homozygote.
Comment: The variant identified is present at extremely low frequency in gnomAD. Multiple Insilico tools predict the variant to be tolerated. Currently there is insufficient evidence on the variant pathogenicity. Hence, this variant is being classified as Variant of uncertain significance.

Labcorp Genetics (formerly Invitae), Labcorp
Classification: Uncertain significance. Last evaluated: 2022-05-19. Review status: criteria provided, single submitter. Criteria: Invitae Variant Classification Sherloc (09022015). Collection method: clinical testing. Allele origin: germline.
Comment: This sequence change replaces methionine, which is neutral and non-polar, with leucine, which is neutral and non-polar, at codon 7 of the PROSC protein (p.Met7Leu). This variant is not present in population databases (gnomAD no frequency). This variant has not been reported in the literature in individuals affected with PROSC-related conditions. Algorithms developed to predict the effect of missense changes on protein structure and function (SIFT, PolyPhen-2, Align-GVGD) all suggest that this variant is likely to be tolerated. In summary, the available evidence is currently insufficient to determine the role of this variant in disease. Therefore, it has been classified as a Variant of Uncertain Significance.

NM_007198.4(PLPBP):c.19A>T (p.Met7Leu)

Genes: PLPBP (pyridoxal phosphate binding protein; plus strand), LOC113788277 (Sharpr-MPRA regulatory region 13802; plus strand). Cytogenetic location: 8p11.23.
Variant type: single nucleotide variant.
Coding change: c.19A>T on transcript NM_007198.4 (MANE Select); coding-DNA position 19, A replaced by T.
Protein change: p.Met7Leu; replaces methionine 7 with leucine.
Molecular consequence: missense variant. On other transcripts: 5 prime UTR variant (1).
Genome position (GRCh38, 1-based): chr8:37,762,678, A>T. VCF-style: chr8-37762678-A-T. GRCh37 (hg19) VCF-style: chr8-37620196-A-T.
Other names: c.19A>T, p.Met7Leu (NM_001349346.2, NM_001349347.2); c.-80A>T (NM_001349348.2); c.124A>T, p.Met42Leu (NM_001349349.1); short protein forms M42L, M7L.
Identifiers: ClinVar variation 1918828 (VCV001918828.7), dbSNP rs764612461, ClinGen allele CA370665620.
Genomic context (GRCh38, chr8:37,762,678, plus strand): 5'-CGGGCTGCCGGGGGCCTGGGGCTCGGCGTCGGTCCCCGGGGGATGTGGAGAGCTGGCAGC[A>T]TGTCGGCCGAGCTGGGAGTCGGGTGCGCATTGCGGGCGGTGAACGAGCGCGTGCAGCAGG-3'
Protein context (NP_009129.1, residues 1-17): MWRAGS[Met7Leu]SAELGVGCAL